The following is an entry in ClinVar:

ClinVar aggregate classification (germline): Uncertain significance. Review status: criteria provided, multiple submitters, no conflicts (2 of 4 stars). 2 submissions from 2 submitters: Uncertain significance (2). Last evaluated 2025-12-08.

Conditions:
Pulmonary hypertension, primary, 2. Identifiers: Orphanet 422, MedGen C3888002, MONDO:0014134, OMIM 615342.

gnomAD v4.1: 16 of 1,613,790 alleles (0.00099%); highest among the groups gnomAD compares: African/African-American, 0.0013%; no homozygotes.

Submissions (2):

Labcorp Genetics (formerly Invitae), Labcorp
Classification: Uncertain significance for Pulmonary hypertension, primary, 2. Last evaluated: 2025-12-08. Review status: criteria provided, single submitter. Criteria: Invitae Variant Classification Sherloc (09022015). Collection method: clinical testing. Allele origin: germline.
Comment: This sequence change replaces arginine, which is basic and polar, with histidine, which is basic and polar, at codon 73 of the SMAD9 protein (p.Arg73His). This variant is present in population databases (no rsID available, gnomAD 0.007%). This missense change has been observed in individual(s) with pulmonary arterial hypertension (PMID: 29631995). ClinVar contains an entry for this variant (Variation ID: 1019667). Invitae Evidence Modeling of protein sequence and biophysical properties (such as structural, functional, and spatial information, amino acid conservation, physicochemical variation, residue mobility, and thermodynamic stability) indicates that this missense variant is expected to disrupt SMAD9 protein function with a positive predictive value of 80%. In summary, the available evidence is currently insufficient to determine the role of this variant in disease. Therefore, it has been classified as a Variant of Uncertain Significance.

Fulgent Genetics
Classification: Uncertain significance for Pulmonary hypertension, primary, 2. Last evaluated: 2021-07-07. Review status: criteria provided, single submitter. Criteria: ACMG Guidelines, 2015. Collection method: clinical testing. Allele origin: unknown.

Literature cited by the submitters: PubMed 29631995 (cited by Labcorp Genetics (formerly Invitae), Labcorp).

NM_001127217.3(SMAD9):c.218G>A (p.Arg73His)

Gene: SMAD9 (SMAD family member 9; minus strand). Cytogenetic location: 13q13.3.
Variant type: single nucleotide variant.
Coding change: c.218G>A on transcript NM_001127217.3 (MANE Select); coding-DNA position 218, G replaced by A.
Protein change: p.Arg73His; replaces arginine 73 with histidine.
Molecular consequence: missense variant.
Genome position (GRCh38, 1-based): chr13:36,879,472, C>T on the plus strand (G>A on the coding strand, the complement: SMAD9 is on the minus strand). VCF-style: chr13-36879472-C-T. GRCh37 (hg19) VCF-style: chr13-37453609-C-T.
Other names: c.218G>A, p.Arg73His (NM_001378621.1, NM_005905.6); short protein forms R73H.
Identifiers: ClinVar variation 1019667 (VCV001019667.9), dbSNP rs1453268397, ClinGen allele CA387852909.